The following is an entry in ClinVar:

NM_017563.5(IL17RD):c.1606A>G (p.Ser536Gly)

Genes: IL17RD (interleukin 17 receptor D; minus strand), LOC126806689 (BRD4-independent group 4 enhancer GRCh37_chr3:57131244-57132443; plus strand). Cytogenetic location: 3p14.3.
Variant type: single nucleotide variant.
Coding change: c.1606A>G on transcript NM_017563.5 (MANE Select); coding-DNA position 1606, A replaced by G.
Protein change: p.Ser536Gly; replaces serine 536 with glycine.
Molecular consequence: missense variant.
Genome position (GRCh38, 1-based): chr3:57,098,097, T>C on the plus strand (A>G on the coding strand, the complement: IL17RD is on the minus strand). VCF-style: chr3-57098097-T-C. GRCh37 (hg19) VCF-style: chr3-57132125-T-C.
Other names: c.1606A>G, p.Ser536Gly (NM_001080973.1); c.1174A>G, p.Ser392Gly (NM_001318864.2); c.1606A>G (NM_017563.3); short protein forms S392G, S536G.
Identifiers: ClinVar variation 1911873 (VCV001911873.6), dbSNP rs755501056, ClinGen allele CA2462695.

ClinVar aggregate classification (germline): Uncertain significance. Review status: criteria provided, multiple submitters, no conflicts (2 of 4 stars). 2 submissions from 2 submitters: Uncertain significance (2). Last evaluated 2025-10-28.

Allele frequency attached by ClinVar (database versions not stated): gnomAD 0.00002; TOPMed 0.00002; ExAC 0.00003.
gnomAD v4.1: 30 of 1,613,778 alleles (0.0019%); highest among the groups gnomAD compares: Middle Eastern, 0.033%; no homozygotes.

Submissions (2):

Labcorp Genetics (formerly Invitae), Labcorp
Classification: Uncertain significance. Last evaluated: 2025-10-28. Review status: criteria provided, single submitter. Criteria: Invitae Variant Classification Sherloc (09022015). Collection method: clinical testing. Allele origin: germline.
Comment: This sequence change replaces serine, which is neutral and polar, with glycine, which is neutral and non-polar, at codon 536 of the IL17RD protein (p.Ser536Gly). This variant is present in population databases (rs755501056, gnomAD 0.004%). This variant has not been reported in the literature in individuals affected with IL17RD-related conditions. ClinVar contains an entry for this variant (Variation ID: 1911873). Invitae Evidence Modeling of protein sequence and biophysical properties (such as structural, functional, and spatial information, amino acid conservation, physicochemical variation, residue mobility, and thermodynamic stability) has been performed for this missense variant. However, the output from this modeling did not meet the statistical confidence thresholds required to predict the impact of this variant on IL17RD protein function. In summary, the available evidence is currently insufficient to determine the role of this variant in disease. Therefore, it has been classified as a Variant of Uncertain Significance.

Ambry Genetics
Classification: Uncertain significance. Last evaluated: 2023-12-18. Review status: criteria provided, single submitter. Criteria: Ambry Variant Classification Scheme 2023. Collection method: clinical testing. Allele origin: germline.